The following is an entry in ClinVar:

NM_002880.4(RAF1):c.1837_1838del (p.Leu613fs)

Gene: RAF1 (Raf-1 proto-oncogene, serine/threonine kinase; minus strand). Cytogenetic location: 3p25.2.
Variant type: Microsatellite.
Coding change: c.1837_1838del on transcript NM_002880.4 (MANE Select); coding-DNA positions 1837 to 1838, 2 bases deleted (CT; older notation c.1837_1838delCT).
Protein change: p.Leu613fs; shifts the reading frame from leucine 613.
Molecular consequence: frameshift variant. On other transcripts: non-coding transcript variant (3).
Genome position (GRCh38, 1-based): chr3:12,584,623-12,584,624, AG deleted on the plus strand (CT on the coding strand, the reverse complement: RAF1 is on the minus strand); deleting any 2 consecutive bases within chr3:12,584,623-12,584,628 gives the same sequence; the c. name uses the placement nearest the transcript's 3' end. VCF-style (leftmost placement, unchanged base first): chr3-12584622-TAG-T. GRCh37 (hg19) VCF-style: chr3-12626121-TAG-T.
Other names: c.1837_1838delCT (NM_002880.3); c.1897_1898del, p.Leu633fs (NM_001354689.3); c.1837_1838del, p.Leu613fs (NM_001354690.3); c.1594_1595del, p.Leu532fs (NM_001354691.3, NM_001354692.3); c.1738_1739del, p.Leu580fs (NM_001354693.3); c.1654_1655del, p.Leu552fs (NM_001354694.3); c.1495_1496del, p.Leu499fs (NM_001354695.3); short protein forms L532fs, L580fs, L552fs, L499fs, L613fs, L633fs.
Identifiers: ClinVar variation 1404139 (VCV001404139.9), dbSNP rs2125316977, ClinGen allele CA2577511322.

ClinVar aggregate classification (germline): Uncertain significance. Review status: criteria provided, multiple submitters, no conflicts (2 of 4 stars). 2 submissions from 2 submitters: Uncertain significance (2). Last evaluated 2025-02-11.

Conditions:
RASopathy. Also called: rasopathies; Noonan spectrum disorder. Identifiers: Orphanet 536391, MedGen C5555857, MONDO:0021060.
Cardiovascular phenotype. Identifiers: MedGen CN230736.

Submissions (2):

Ambry Genetics
Classification: Uncertain significance for Cardiovascular phenotype. Last evaluated: 2025-02-11. Review status: criteria provided, single submitter. Criteria: Ambry Variant Classification Scheme 2023. Collection method: clinical testing. Allele origin: germline.
Comment: The c.1837_1838delCT variant, located in coding exon 16 of the RAF1 gene, results from a deletion of two nucleotides at nucleotide positions 1837 to 1838, causing a translational frameshift with a predicted alternate stop codon (p.L613Tfs*19). This alteration occurs at the 3' terminus of theRAF1 gene, is not expected to trigger nonsense-mediated mRNAdecay, and impacts the last 5.5% of the protein. The exact functional effect of this alteration is unknown. In addition, loss of function of RAF1 has not been established as a mechanism of disease. Based on the available evidence, the clinical significance of this alteration remains unclear.

Labcorp Genetics (formerly Invitae), Labcorp
Classification: Uncertain significance for RASopathy. Last evaluated: 2024-10-30. Review status: criteria provided, single submitter. Criteria: Invitae Variant Classification Sherloc (09022015). Collection method: clinical testing. Allele origin: germline.
Comment: This sequence change creates a premature translational stop signal (p.Leu613Thrfs*19) in the RAF1 gene. While this is not anticipated to result in nonsense mediated decay, it is expected to disrupt the last 36 amino acid(s) of the RAF1 protein. This variant is not present in population databases (gnomAD no frequency). This premature translational stop signal has been observed in individual(s) with left ventricular hypertrabeculation (PMID: 28798025). This variant is also known as p.398_398del. Experimental studies and prediction algorithms are not available or were not evaluated, and the functional significance of this variant is currently unknown. In summary, the available evidence is currently insufficient to determine the role of this variant in disease. Therefore, it has been classified as a Variant of Uncertain Significance.

Literature cited by the submitters: PubMed 28798025 (cited by Labcorp Genetics (formerly Invitae), Labcorp).